The following is an entry in ClinVar:

NM_000059.4(BRCA2):c.4905G>T (p.Leu1635Phe)

Gene: BRCA2 (BRCA2 DNA repair associated; plus strand). Cytogenetic location: 13q13.1.
Variant type: single nucleotide variant.
Coding change: c.4905G>T on transcript NM_000059.4 (MANE Select); coding-DNA position 4905, G replaced by T.
Protein change: p.Leu1635Phe; replaces leucine 1635 with phenylalanine.
Molecular consequence: missense variant.
Genome position (GRCh38, 1-based): chr13:32,339,260, G>T. VCF-style: chr13-32339260-G-T. GRCh37 (hg19) VCF-style: chr13-32913397-G-T.
Other names: 5133G>T; short protein forms L1635F.
Identifiers: ClinVar variation 37930 (VCV000037930.25), dbSNP rs397507342, ClinGen allele CA020991.
Genomic context (GRCh38, chr13:32,339,260, plus strand): 5'-CTTAAGTGATAATTTATGTAGACAAACTGAAAATCTCAAAACATCAAAAAGTATCTTTTT[G>T]AAAGTTAAAGTACATGAAAATGTAGAAAAAGAAACAGCAAAAAGTCCTGCAACTTGTTAC-3'
Protein context (NP_000050.3, residues 1625-1645): ENLKTSKSIF[Leu1635Phe]KVKVHENVEK

ClinVar aggregate classification (germline): Conflicting classifications of pathogenicity. Review status: criteria provided, conflicting classifications (1 of 4 stars). 7 submissions from 7 submitters: Uncertain significance (3); Likely benign (2). 2 of the submissions do not count toward it. Last evaluated 2025-01-23.

Conditions:
BRCA2-related cancer predisposition. Identifiers: MedGen CN377758, MONDO:0700269.
Hereditary cancer-predisposing syndrome. Also called: Tumor predisposition; Neoplastic Syndromes, Hereditary; Hereditary neoplastic syndrome; Hereditary Cancer Syndrome. Identifiers: Orphanet 140162, MedGen C0027672, MeSH D009386, MONDO:0015356.
Hereditary breast ovarian cancer syndrome. Also called: Hereditary breast and ovarian cancer; Hereditary breast and ovarian cancer syndrome (HBOC); Hereditary breast and/or ovarian cancer syndrome; Breast and ovarian cancer; Hereditary breast and ovarian cancer syndrome; BRCA1- and BRCA2-Associated Hereditary Breast and Ovarian Cancer. Identifiers: Orphanet 145, MedGen C0677776, MeSH D061325, MONDO:0003582. Disease mechanism: loss of function.
Breast-ovarian cancer, familial, susceptibility to, 2 (BROVCA2). Also called: BRCA2 Hereditary Breast and Ovarian Cancer. Identifiers: Orphanet 145, MedGen C2675520, MONDO:0012933, OMIM 612555. Disease mechanism: loss of function.

Allele frequency attached by ClinVar (database versions not stated): gnomAD exomes below 0.00001; ExAC 0.00001.

Submissions (7):

Labcorp Genetics (formerly Invitae), Labcorp
Classification: Uncertain significance for Hereditary breast ovarian cancer syndrome. Last evaluated: 2025-01-23. Review status: criteria provided, single submitter. Criteria: Invitae Variant Classification Sherloc (09022015). Collection method: clinical testing. Allele origin: germline.
Comment: This sequence change replaces leucine, which is neutral and non-polar, with phenylalanine, which is neutral and non-polar, at codon 1635 of the BRCA2 protein (p.Leu1635Phe). This variant is present in population databases (rs397507342, gnomAD 0.0009%). This missense change has been observed in individual(s) with liver hepatocellular carcinoma (PMID: 29625052). ClinVar contains an entry for this variant (Variation ID: 37930). Invitae Evidence Modeling of protein sequence and biophysical properties (such as structural, functional, and spatial information, amino acid conservation, physicochemical variation, residue mobility, and thermodynamic stability) indicates that this missense variant is not expected to disrupt BRCA2 protein function with a negative predictive value of 95%. In summary, the available evidence is currently insufficient to determine the role of this variant in disease. Therefore, it has been classified as a Variant of Uncertain Significance.

All of Us Research Program, National Institutes of Health
Classification: Uncertain significance for BRCA2-related cancer predisposition. Last evaluated: 2024-05-14. Review status: criteria provided, single submitter. Criteria: ACMG Guidelines, 2015. Collection method: clinical testing. Allele origin: germline. Inheritance: Autosomal dominant inheritance. Observed: 3 variant alleles, 3 heterozygotes.
Comment: This missense variant replaces leucine with phenylalanine at codon 1635 of the BRCA2 protein. Computational prediction suggests that this variant may not impact protein structure and function (internally defined REVEL score threshold <= 0.5, PMID: 27666373). To our knowledge, functional studies have not been reported for this variant. This variant has not been reported in individuals affected with hereditary cancer in the literature. This variant has been identified in 1/248988 chromosomes in the general population by the Genome Aggregation Database (gnomAD). The available evidence is insufficient to determine the role of this variant in disease conclusively. Therefore, this variant is classified as a Variant of Uncertain Significance.

This study involves interpretation of variants in research participants for the purpose of population health screening. Participant phenotype was not available at the time of variant classification. Additional details can be found in publication PMID: 35346344, PMCID: PMC8962531

Color Diagnostics, LLC DBA Color Health
Classification: Uncertain significance for Hereditary cancer-predisposing syndrome. Last evaluated: 2024-04-24. Review status: criteria provided, single submitter. Criteria: ACMG Guidelines, 2015. Collection method: clinical testing. Allele origin: germline.
Comment: This missense variant replaces leucine with phenylalanine at codon 1635 of the BRCA2 protein. Computational prediction suggests that this variant may not impact protein structure and function. To our knowledge, functional studies have not been reported for this variant. This variant has been reported in an individual affected with liver cancer (PMID: 29625052). This variant has been identified in 1/248988 chromosomes in the general population by the Genome Aggregation Database (gnomAD). The available evidence is insufficient to determine the role of this variant in disease conclusively. Therefore, this variant is classified as a Variant of Uncertain Significance.

Ambry Genetics
Classification: Likely benign for Hereditary cancer-predisposing syndrome. Last evaluated: 2024-03-28. Review status: criteria provided, single submitter. Criteria: Ambry Variant Classification Scheme 2023. Collection method: clinical testing. Allele origin: germline.

University of Washington Department of Laboratory Medicine, University of Washington
Classification: Likely benign for Hereditary cancer-predisposing syndrome. Last evaluated: 2023-03-23. Review status: criteria provided, single submitter. Criteria: Dines et al. (Genet Med. 2020). Collection method: curation. Allele origin: germline.
Comment: Missense variant in a coldspot region where missense variants are very unlikely to be pathogenic (PMID:31911673).

BRCA2 exon 11 coldspot. Reclassification based on statistical prior probability.

Counsyl
Classification: Uncertain significance for Breast-ovarian cancer, familial, susceptibility to, 2. Last evaluated: 2017-08-23. Review status: no assertion criteria provided. Collection method: clinical testing. Allele origin: unknown. Not counted in ClinVar's aggregate classification.

Sharing Clinical Reports Project (SCRP)
Classification: Uncertain significance for Breast-ovarian cancer, familial 2. Last evaluated: 2013-02-04. Review status: no assertion criteria provided. Collection method: clinical testing. Allele origin: germline. Not counted in ClinVar's aggregate classification.

Literature cited by the submitters: PubMed 29625052 (cited by Labcorp Genetics (formerly Invitae), Labcorp and Color Diagnostics, LLC DBA Color Health).